The following is an entry in ClinVar:

NM_006947.4(SRP72):c.1006G>A (p.Glu336Lys)

Gene: SRP72 (signal recognition particle 72; plus strand). Cytogenetic location: 4q12.
Variant type: single nucleotide variant.
Coding change: c.1006G>A on transcript NM_006947.4 (MANE Select); coding-DNA position 1006, G replaced by A.
Protein change: p.Glu336Lys; replaces glutamic acid 336 with lysine.
Molecular consequence: missense variant. On other transcripts: non-coding transcript variant (1).
Genome position (GRCh38, 1-based): chr4:56,484,784, G>A. VCF-style: chr4-56484784-G-A. GRCh37 (hg19) VCF-style: chr4-57350950-G-A.
Other names: c.1006G>A (NM_006947.3); c.823G>A, p.Glu275Lys (NM_001267722.2); short protein forms E336K, E275K.
Identifiers: ClinVar variation 1505258 (VCV001505258.8), dbSNP rs768536813, ClinGen allele CA2931253.

ClinVar aggregate classification (germline): Uncertain significance. Review status: criteria provided, multiple submitters, no conflicts (2 of 4 stars). 2 submissions from 2 submitters: Uncertain significance (2). Last evaluated 2025-12-16.

Allele frequency attached by ClinVar (database versions not stated): gnomAD 0.00001; TOPMed 0.00001; ExAC 0.00002; gnomAD exomes 0.00002.
gnomAD v4.1: 72 of 1,613,968 alleles (0.0045%); highest among the groups gnomAD compares: Non-Finnish European, 0.0056%; no homozygotes.

Submissions (2):

Labcorp Genetics (formerly Invitae), Labcorp
Classification: Uncertain significance. Last evaluated: 2025-12-16. Review status: criteria provided, single submitter. Criteria: Invitae Variant Classification Sherloc (09022015). Collection method: clinical testing. Allele origin: germline.
Comment: This sequence change replaces glutamic acid, which is acidic and polar, with lysine, which is basic and polar, at codon 336 of the SRP72 protein (p.Glu336Lys). This variant is present in population databases (rs768536813, gnomAD 0.005%). This variant has not been reported in the literature in individuals affected with SRP72-related conditions. ClinVar contains an entry for this variant (Variation ID: 1505258). Invitae Evidence Modeling of protein sequence and biophysical properties (such as structural, functional, and spatial information, amino acid conservation, physicochemical variation, residue mobility, and thermodynamic stability) indicates that this missense variant is not expected to disrupt SRP72 protein function with a negative predictive value of 80%. In summary, the available evidence is currently insufficient to determine the role of this variant in disease. Therefore, it has been classified as a Variant of Uncertain Significance.

Ambry Genetics
Classification: Uncertain significance. Last evaluated: 2025-05-02. Review status: criteria provided, single submitter. Criteria: Ambry Variant Classification Scheme 2023. Collection method: clinical testing. Allele origin: germline.
Comment: The p.E336K variant (also known as c.1006G>A), located in coding exon 10 of the SRP72 gene, results from a G to A substitution at nucleotide position 1006. The glutamic acid at codon 336 is replaced by lysine, an amino acid with similar properties. This amino acid position is conserved. In addition, this alteration is predicted to be tolerated by in silico analysis. Based on the available evidence, the clinical significance of this variant remains unclear.